The following is an entry in ClinVar:

ClinVar aggregate classification (germline): Uncertain significance. Review status: criteria provided, multiple submitters, no conflicts (2 of 4 stars). 2 submissions from 2 submitters: Uncertain significance (2). Last evaluated 2026-07-01.

Conditions:
Landau-Kleffner syndrome (FESD). Also called: EPILEPSY, FOCAL, WITH SPEECH DISORDER AND WITH OR WITHOUT MENTAL RETARDATION; APHASIA, ACQUIRED, WITH EPILEPSY. Identifiers: Orphanet 1945, Orphanet 725, Orphanet 98818, MedGen C0282512, MONDO:0009509, OMIM 245570.

Submissions (2):

CeGaT Center for Human Genetics Tuebingen
Classification: Uncertain significance. Last evaluated: 2026-07-01. Review status: criteria provided, single submitter. Criteria: CeGaT Center For Human Genetics Tuebingen Variant Classification Criteria Version 2. Collection method: clinical testing. Allele origin: germline. Affected: yes. Observed: 1 variant allele.
Comment: GRIN2A: PM2, BP4

Labcorp Genetics (formerly Invitae), Labcorp
Classification: Uncertain significance for Landau-Kleffner syndrome. Last evaluated: 2022-09-13. Review status: criteria provided, single submitter. Criteria: Invitae Variant Classification Sherloc (09022015). Collection method: clinical testing. Allele origin: germline.
Comment: Advanced modeling of protein sequence and biophysical properties (such as structural, functional, and spatial information, amino acid conservation, physicochemical variation, residue mobility, and thermodynamic stability) performed at Invitae indicates that this missense variant is not expected to disrupt GRIN2A protein function. This variant has not been reported in the literature in individuals affected with GRIN2A-related conditions. This variant is not present in population databases (gnomAD no frequency). This sequence change replaces threonine, which is neutral and polar, with isoleucine, which is neutral and non-polar, at codon 1043 of the GRIN2A protein (p.Thr1043Ile). In summary, the available evidence is currently insufficient to determine the role of this variant in disease. Therefore, it has been classified as a Variant of Uncertain Significance.

NM_001134407.3(GRIN2A):c.3128C>T (p.Thr1043Ile)

Gene: GRIN2A (glutamate ionotropic receptor NMDA type subunit 2A; minus strand). Cytogenetic location: 16p13.2.
Variant type: single nucleotide variant.
Coding change: c.3128C>T on transcript NM_001134407.3 (MANE Select); coding-DNA position 3128, C replaced by T.
Protein change: p.Thr1043Ile; replaces threonine 1043 with isoleucine.
Molecular consequence: missense variant.
Genome position (GRCh38, 1-based): chr16:9,764,416, G>A on the plus strand (C>T on the coding strand, the complement: GRIN2A is on the minus strand). VCF-style: chr16-9764416-G-A. GRCh37 (hg19) VCF-style: chr16-9858273-G-A.
Other names: c.3128C>T, p.Thr1043Ile (NM_000833.5, NM_001134408.2); short protein forms T1043I.
Identifiers: ClinVar variation 1719306 (VCV001719306.7), dbSNP rs1567277910, ClinGen allele CA394708611.
Genomic context (GRCh38, chr16:9,764,416, plus strand): 5'-TCTGAAATGTCAGAGTGGGCCATCTCTTCTGGAAGATACCTAGGGCTCTTTAGGGAGTGG[G>A]TCCTATTCTCTGCTGTTGCCTCATCCCTCTGGGAGACTGGATTCTGGGATAGTGAATCCT-3'
Protein context (NP_001127879.1, residues 1033-1053): QRDEATAENR[Thr1043Ile]HSLKSPRYLP